The following is an entry in ClinVar:

ClinVar aggregate classification (germline): Uncertain significance (1 of 4 stars; one submission).

Submission:

Labcorp Genetics (formerly Invitae), Labcorp
Classification: Uncertain significance. Last evaluated: 2021-04-10. Review status: criteria provided, single submitter. Criteria: Invitae Variant Classification Sherloc (09022015). Collection method: clinical testing. Allele origin: germline.
Comment: In summary, the available evidence is currently insufficient to determine the role of this variant in disease. Therefore, it has been classified as a Variant of Uncertain Significance. This variant has not been reported in the literature in individuals with MDH2-related conditions. This variant is a gross deletion of the genomic region encompassing exon(s) 1-4 of the MDH2 gene, which includes the initiator codon. The 5' end of this event is unknown as it extends beyond the assayed region for this gene and therefore may encompass additional genes. The 3' boundary is likely confined to intron 4 of the MDH2 gene. It is expected to result in an absent or disrupted protein product. However, the current clinical and genetic evidence is not sufficient to establish whether loss-of-function variants in MDH2 cause disease.

NC_000007.13:g.(?_75677479)_(75687416_?)del

Gene: MDH2 (malate dehydrogenase 2; plus strand). Cytogenetic location: 7q11.23.
Variant type: Deletion.
Identifiers: ClinVar variation 1444089 (VCV001444089.4).